The following is an entry in ClinVar:

NM_025114.4(CEP290):c.3181A>T (p.Met1061Leu)

Gene: CEP290 (centrosomal protein 290; minus strand). Cytogenetic location: 12q21.32.
Variant type: single nucleotide variant.
Coding change: c.3181A>T on transcript NM_025114.4 (MANE Select); coding-DNA position 3181, A replaced by T.
Protein change: p.Met1061Leu; replaces methionine 1061 with leucine.
Molecular consequence: missense variant.
Genome position (GRCh38, 1-based): chr12:88,093,898, T>A on the plus strand (A>T on the coding strand, the complement: CEP290 is on the minus strand). VCF-style: chr12-88093898-T-A. GRCh37 (hg19) VCF-style: chr12-88487675-T-A.
Other names: short protein forms M1061L.
Identifiers: ClinVar variation 3756126 (VCV003756126.2).

ClinVar aggregate classification (germline): Uncertain significance (1 of 4 stars; one submission).

Conditions:
Joubert syndrome. Also called: CEREBELLOPARENCHYMAL DISORDER IV; JOUBERT-BOLTSHAUSER SYNDROME; Familial aplasia of the vermis. Identifiers: Orphanet 475, MedGen C5979921, MONDO:0018772.
Nephronophthisis. Also called: Juvenile Nephronophthisis. Identifiers: Orphanet 655, MedGen C0687120, MONDO:0019005, HP:0000090.
Meckel-Gruber syndrome. Also called: DYSENCEPHALIA SPLANCHNOCYSTICA; GRUBER SYNDROME; Dysencephalia splachnocystica. Identifiers: Orphanet 564, MedGen C0265215, MONDO:0018921.

Submission:

Labcorp Genetics (formerly Invitae), Labcorp
Classification: Uncertain significance for Joubert syndrome; Meckel-Gruber syndrome; Nephronophthisis. Last evaluated: 2024-04-30. Review status: criteria provided, single submitter. Criteria: Invitae Variant Classification Sherloc (09022015). Collection method: clinical testing. Allele origin: germline.
Comment: This sequence change replaces methionine, which is neutral and non-polar, with leucine, which is neutral and non-polar, at codon 1061 of the CEP290 protein (p.Met1061Leu). This variant is not present in population databases (gnomAD no frequency). This variant has not been reported in the literature in individuals affected with CEP290-related conditions. Advanced modeling of protein sequence and biophysical properties (such as structural, functional, and spatial information, amino acid conservation, physicochemical variation, residue mobility, and thermodynamic stability) performed at Invitae indicates that this missense variant is expected to disrupt CEP290 protein function with a positive predictive value of 80%. In summary, the available evidence is currently insufficient to determine the role of this variant in disease. Therefore, it has been classified as a Variant of Uncertain Significance.